The following is an entry in ClinVar:

NM_002485.5(NBN):c.1689_1693del (p.Glu564fs)

Gene: NBN (nibrin; minus strand). Cytogenetic location: 8q21.3.
Variant type: Deletion.
Coding change: c.1689_1693del on transcript NM_002485.5 (MANE Select); coding-DNA positions 1689 to 1693, 5 bases deleted (GGAAC; older notation c.1689_1693delGGAAC).
Protein change: p.Glu564fs; shifts the reading frame from glutamic acid 564.
Molecular consequence: frameshift variant.
Genome position (GRCh38, 1-based): chr8:89,953,396-89,953,400, GTTCC deleted on the plus strand (GGAAC on the coding strand, the reverse complement: NBN is on the minus strand). VCF-style (leftmost placement, unchanged base first): chr8-89953395-TGTTCC-T. GRCh37 (hg19) VCF-style: chr8-90965623-TGTTCC-T.
Other names: c.1443_1447del, p.Glu482fs (NM_001024688.3); short protein forms E482fs, E564fs.
Identifiers: ClinVar variation 1778066 (VCV001778066.2), dbSNP rs2488230324, ClinGen allele CA2580079005.
Genomic context (GRCh38, chr8:89,953,395, plus strand): 5'-TCCTCCTGTTTTTGAACTTTCACATCAATTTCTAACTCTGGTTTTGTGTCCTTGAATAAC[TGTTCC>T]AATACTTCATCTTCTATGGCCACATCATCCATTTCCCTTTTTTTATTTGATCTTAGCTTT-3'

ClinVar aggregate classification (germline): Pathogenic (1 of 4 stars; one submission).

Conditions:
Hereditary cancer-predisposing syndrome. Also called: Neoplastic Syndromes, Hereditary; Tumor predisposition; Hereditary Cancer Syndrome; Hereditary neoplastic syndrome. Identifiers: Orphanet 140162, MedGen C0027672, MeSH D009386, MONDO:0015356.

Submission:

Ambry Genetics
Classification: Pathogenic for Hereditary cancer-predisposing syndrome. Last evaluated: 2021-11-30. Review status: criteria provided, single submitter. Criteria: Ambry Variant Classification Scheme 2023. Collection method: clinical testing. Allele origin: germline.
Comment: The c.1689_1693delGGAAC pathogenic mutation, located in coding exon 11 of the NBN gene, results from a deletion of 5 nucleotides at nucleotide positions 1689 to 1693, causing a translational frameshift with a predicted alternate stop codon (p.E564Vfs*12). This variant is considered to be rare based on population cohorts in the Genome Aggregation Database (gnomAD). This alteration is expected to result in loss of function by premature protein truncation or nonsense-mediated mRNA decay. As such, this alteration is interpreted as a disease-causing mutation.